The following is an entry in ClinVar:

NM_014625.4(NPHS2):c.421C>T (p.His141Tyr)

Gene: NPHS2 (NPHS2 stomatin family member, podocin; minus strand). Cytogenetic location: 1q25.2.
Variant type: single nucleotide variant.
Coding change: c.421C>T on transcript NM_014625.4 (MANE Select); coding-DNA position 421, C replaced by T.
Protein change: p.His141Tyr; replaces histidine 141 with tyrosine.
Molecular consequence: missense variant.
Genome position (GRCh38, 1-based): chr1:179,561,319, G>A on the plus strand (C>T on the coding strand, the complement: NPHS2 is on the minus strand). VCF-style: chr1-179561319-G-A. GRCh37 (hg19) VCF-style: chr1-179530454-G-A.
Other names: c.421C>T, p.His141Tyr (NM_001297575.2); short protein forms H141Y.
Identifiers: ClinVar variation 3574380 (VCV003574380.2).

ClinVar aggregate classification (germline): Uncertain significance. Review status: criteria provided, multiple submitters, no conflicts (2 of 4 stars). 2 submissions from 2 submitters: Uncertain significance (2). Last evaluated 2025-12-12.

Conditions:
Nephrotic syndrome, type 2 (NPHS2). Also called: NEPHROTIC SYNDROME, STEROID-RESISTANT, AUTOSOMAL RECESSIVE. Identifiers: Orphanet 656, MedGen C1868672, MONDO:0010974, OMIM 600995.

Submissions (2):

Myriad Genetics, Inc.
Classification: Uncertain significance for Nephrotic syndrome, type 2. Last evaluated: 2025-12-12. Review status: criteria provided, single submitter. Criteria: Myriad Autosomal Dominant, Autosomal Recessive and X-Linked Classification Criteria (2023). Collection method: clinical testing. Allele origin: unknown.
Comment: NM_014625.2(NPHS2):c.421C>T(H141Y) is a missense variant classified as a variant of uncertain significance in the context of nephrotic syndrome, NPHS2-related. H141Y has been observed in a case with relevant disease (PMID: 30458709). Relevant functional assessments of this variant are not available in the literature. H141Y has not been observed in referenced population frequency databases. In summary, there is insufficient evidence to classify NM_014625.2(NPHS2):c.421C>T(H141Y) as pathogenic or benign. Please note: this variant was assessed in the context of healthy population screening.

Fulgent Genetics
Classification: Uncertain significance for Nephrotic syndrome, type 2. Last evaluated: 2024-04-17. Review status: criteria provided, single submitter. Criteria: ACMG Guidelines, 2015. Collection method: clinical testing. Allele origin: germline.

Literature cited by the submitters: PubMed 30458709 (cited by Myriad Genetics, Inc.).